The following is an entry in ClinVar:

NM_001370259.2(MEN1):c.1013dup (p.Gln339fs)

Gene: MEN1 (menin 1; minus strand). Cytogenetic location: 11q13.1.
Variant type: Duplication.
Coding change: c.1013dup on transcript NM_001370259.2 (MANE Select); coding-DNA position 1013, one base duplicated (T; older notation c.1013dupT).
Protein change: p.Gln339fs; shifts the reading frame from glutamine 339.
Molecular consequence: frameshift variant.
Genome position (GRCh38, 1-based): chr11:64,806,268, A duplicated on the plus strand (T on the coding strand, the reverse complement: MEN1 is on the minus strand). VCF-style (leftmost placement, unchanged base first): chr11-64806267-C-CA. GRCh37 (hg19) VCF-style: chr11-64573739-C-CA.
Other names: c.1028dupT (NM_000244.3); c.1028dup, p.Gln344fs (NM_130800.3, NM_130801.3, NM_130802.3 and 3 more transcripts); c.1013dup, p.Gln339fs (NM_001370251.2, NM_001370260.2, NM_001370261.2 and 1 more transcripts); c.908dup, p.Gln304fs (NM_001370262.2, NM_001370263.2); short protein forms Q339fs, Q344fs, Q304fs.
Identifiers: ClinVar variation 36518 (VCV000036518.5), dbSNP rs386134245, ClinGen allele CA260439.

ClinVar aggregate classification (germline): Pathogenic/Likely pathogenic. Review status: criteria provided, multiple submitters, no conflicts (2 of 4 stars). 2 submissions from 2 submitters: Pathogenic (1); Likely pathogenic (1). Last evaluated 2025-12-24.

Conditions:
Multiple endocrine neoplasia, type 1 (MEN1). Also called: Endocrine adenomatosis multiple; MEN 1; MEA I; MEN I; WERMER SYNDROME. Identifiers: Orphanet 652, MedGen C0025267, MeSH D018761, MONDO:0007540, OMIM 131100.

Submissions (2):

Labcorp Genetics (formerly Invitae), Labcorp
Classification: Pathogenic for Multiple endocrine neoplasia, type 1. Last evaluated: 2025-12-24. Review status: criteria provided, single submitter. Criteria: Invitae Variant Classification Sherloc (09022015). Collection method: clinical testing. Allele origin: germline.
Comment: This sequence change creates a premature translational stop signal (p.Gln339Alafs*28) in the MEN1 gene. It is expected to result in an absent or disrupted protein product. Loss-of-function variants in MEN1 are known to be pathogenic (PMID: 12112656, 17853334). This variant is not present in population databases (gnomAD no frequency). This variant has not been reported in the literature in individuals affected with MEN1-related conditions. ClinVar contains an entry for this variant (Variation ID: 36518). For these reasons, this variant has been classified as Pathogenic.

Women's Health and Genetics/Laboratory Corporation of America, LabCorp
Classification: Likely pathogenic for Multiple Endocrine Neoplasia Type 1. Last evaluated: 2011-08-18. Review status: criteria provided, single submitter. Criteria: LabCorp Variant Classification Summary - May 2015. Collection method: curation, clinical testing. Allele origin: germline. Inheritance: autosomal unknown. Affected: yes.
ClinVar note: Converted during submission from likely pathogenic to Likely pathogenic.

Literature cited by the submitters: PubMed 12112656 (cited by Labcorp Genetics (formerly Invitae), Labcorp); PubMed 17853334 (cited by Labcorp Genetics (formerly Invitae), Labcorp).